The following is an entry in ClinVar:

NM_004482.4(GALNT3):c.1216G>A (p.Glu406Lys)

Gene: GALNT3 (polypeptide N-acetylgalactosaminyltransferase 3; minus strand). Cytogenetic location: 2q24.3.
Variant type: single nucleotide variant.
Coding change: c.1216G>A on transcript NM_004482.4 (MANE Select); coding-DNA position 1216, G replaced by A.
Protein change: p.Glu406Lys; replaces glutamic acid 406 with lysine.
Molecular consequence: missense variant.
Genome position (GRCh38, 1-based): chr2:165,757,223, C>T on the plus strand (G>A on the coding strand, the complement: GALNT3 is on the minus strand). VCF-style: chr2-165757223-C-T. GRCh37 (hg19) VCF-style: chr2-166613733-C-T.
Other names: short protein forms E406K.
Identifiers: ClinVar variation 3671777 (VCV003671777.2).

ClinVar aggregate classification (germline): Uncertain significance (1 of 4 stars; one submission).

Submission:

Labcorp Genetics (formerly Invitae), Labcorp
Classification: Uncertain significance. Last evaluated: 2025-01-19. Review status: criteria provided, single submitter. Criteria: Invitae Variant Classification Sherloc (09022015). Collection method: clinical testing. Allele origin: germline.
Comment: This sequence change replaces glutamic acid, which is acidic and polar, with lysine, which is basic and polar, at codon 406 of the GALNT3 protein (p.Glu406Lys). This variant is not present in population databases (gnomAD no frequency). This variant has not been reported in the literature in individuals affected with GALNT3-related conditions. Invitae Evidence Modeling of protein sequence and biophysical properties (such as structural, functional, and spatial information, amino acid conservation, physicochemical variation, residue mobility, and thermodynamic stability) indicates that this missense variant is not expected to disrupt GALNT3 protein function with a negative predictive value of 80%. In summary, the available evidence is currently insufficient to determine the role of this variant in disease. Therefore, it has been classified as a Variant of Uncertain Significance.